The following is an entry in ClinVar:

ClinVar aggregate classification (germline): Uncertain significance (1 of 4 stars; one submission).

Conditions:
Shwachman-Diamond syndrome 2. Identifiers: MedGen C4693704, MONDO:0044205, OMIM 617941.

gnomAD v4.1: 13 of 1,614,048 alleles (0.00081%); highest among the groups gnomAD compares: African/African-American, 0.0027%; no homozygotes.

Submission:

St. Jude Molecular Pathology, St. Jude Children's Research Hospital
Classification: Uncertain significance for Shwachman-Diamond syndrome 2. Last evaluated: 2024-01-08. Review status: criteria provided, single submitter. Criteria: St. Jude Assertion Criteria 2020. Collection method: clinical testing. Allele origin: germline.
Comment: The EFL1 c.2371A>G (p.Met791Val) missense change has a maximum subpopulation frequency of 0.00089% in gnomAD v2.1.1. The in silico tool REVEL predicts a benign effect on protein function, but this prediction has not been confirmed by functional studies. This variant has not been reported in individuals with Shwachman-Diamond syndrome. In summary, the evidence currently available is insufficient to determine the clinical significance of this variant. It has therefore been classified as of uncertain significance.

NM_024580.6(EFL1):c.2371A>G (p.Met791Val)

Gene: EFL1 (elongation factor like GTPase 1; minus strand). Cytogenetic location: 15q25.2.
Variant type: single nucleotide variant.
Coding change: c.2371A>G on transcript NM_024580.6 (MANE Select); coding-DNA position 2371, A replaced by G.
Protein change: p.Met791Val; replaces methionine 791 with valine.
Molecular consequence: missense variant. On other transcripts: non-coding transcript variant (1).
Genome position (GRCh38, 1-based): chr15:82,152,083, T>C on the plus strand (A>G on the coding strand, the complement: EFL1 is on the minus strand). VCF-style: chr15-82152083-T-C. GRCh37 (hg19) VCF-style: chr15-82444424-T-C.
Other names: c.2218A>G, p.Met740Val (NM_001040610.3); c.1582A>G, p.Met528Val (NM_001322844.2); c.2371A>G, p.Met791Val (NM_001322845.2); short protein forms M528V, M740V, M791V.
Identifiers: ClinVar variation 3377765 (VCV003377765.1).